The following is an entry in ClinVar:

NM_007294.4(BRCA1):c.80+2463T>A

Gene: BRCA1 (BRCA1 DNA repair associated; minus strand). Cytogenetic location: 17q21.31.
Variant type: single nucleotide variant.
Coding change: c.80+2463T>A on transcript NM_007294.4 (MANE Select); 2463 bases into the intron after coding-DNA position 80, T replaced by A.
Molecular consequence: intron variant.
Genome position (GRCh38, 1-based): chr17:43,121,554, A>T on the plus strand (T>A on the coding strand, the complement: BRCA1 is on the minus strand). VCF-style: chr17-43121554-A-T. GRCh37 (hg19) VCF-style: chr17-41273571-A-T.
Other names: c.80+2463T>A (NM_001408446.1, NM_001408435.1, NM_001407691.1 and 192 more transcripts); c.-225+2463T>A (NM_001408492.1, NM_001407889.1); c.-178+2463T>A (NM_001408468.1, NM_001407842.1, NM_001407749.1 and 11 more transcripts); c.-182+2463T>A (NM_001407695.1, NM_001408465.1); c.-206-2289T>A (NM_001407846.1, NM_001407920.1, NM_001407697.1); c.-8+4T>A (NM_001407726.1, NM_001407751.1); c.-109+4T>A (NM_001408513.1, NM_001407954.1, NM_001407917.1); c.-62+4T>A (NM_001408503.1, NM_001407943.1, NM_001407748.1 and 25 more transcripts); and 22 more.
Identifiers: ClinVar variation 3992635 (VCV003992635.1).

ClinVar aggregate classification (germline): Uncertain significance (1 of 4 stars; one submission).

Conditions:
Hereditary cancer-predisposing syndrome. Also called: Tumor predisposition; Hereditary neoplastic syndrome; Neoplastic Syndromes, Hereditary; Hereditary Cancer Syndrome. Identifiers: Orphanet 140162, MedGen C0027672, MeSH D009386, MONDO:0015356.

Submission:

Ambry Genetics
Classification: Uncertain significance for Hereditary cancer-predisposing syndrome. Last evaluated: 2025-06-05. Review status: criteria provided, single submitter. Criteria: Ambry Variant Classification Scheme 2023. Collection method: clinical testing. Allele origin: germline.
Comment: The c.80+2463T>A intronic variant results from a T to A substitution 2463 nucleotides after coding exon 1 in the BRCA1 gene. This nucleotide position is not well conserved in available vertebrate species. In silico splice site analysis predicts that this alteration may result in the creation or strengthening of a novel splice acceptor site; however, direct evidence is insufficient at this time (Ambry internal data). Based on the available evidence, the clinical significance of this variant remains unclear.